The following is an entry in ClinVar:

ClinVar aggregate classification (germline): Uncertain significance. Review status: criteria provided, multiple submitters, no conflicts (2 of 4 stars). 2 submissions from 2 submitters: Uncertain significance (2). Last evaluated 2026-01-09.

Conditions:
Generalized epilepsy with febrile seizures plus, type 7 (GEFSP7). Also called: GEFS+, TYPE 7. Identifiers: Orphanet 36387, MedGen C2751778, MONDO:0013470, OMIM 613863.
Neuropathy, hereditary sensory and autonomic, type 2A (HSAN2A). Also called: ACROOSTEOLYSIS, GIACCAI TYPE; ACROOSTEOLYSIS, NEUROGENIC; WNK1-Related HSAN2 (HSAN2A); HSAN IIA; MORVAN DISEASE; NEUROPATHY, CONGENITAL SENSORY. Identifiers: Orphanet 970, MedGen C2752089, MONDO:0024309, OMIM 201300.

Allele frequency attached by ClinVar (database versions not stated): gnomAD 0.00003 and 0.00004; gnomAD exomes 0.00002 and 0.00001; TOPMed 0.00002; ExAC 0.00003; ESP Exome Variant Server 0.00008.
gnomAD v4.1: 26 of 1,613,666 alleles (0.0016%); highest among the groups gnomAD compares: African/African-American, 0.012%; no homozygotes.

Submissions (2):

Dasa
Classification: Uncertain significance. Last evaluated: 2026-01-09. Review status: criteria provided, single submitter. Criteria: DASA Assertion Criteria. Collection method: clinical testing. Allele origin: germline.
Comment: NM_001365536.1(SCN9A):c.5710C>T (p.Arg1904Cys) is a missense variant that results in the substitution of arginine with cysteine. This variant is rare in population databases. The currently available literature and clinical evidence are not sufficient to establish a definitive association between this variant and the reported condition. Therefore, this variant is classified as a variant of uncertain significance.

Labcorp Genetics (formerly Invitae), Labcorp
Classification: Uncertain significance for Neuropathy, hereditary sensory and autonomic, type 2A; Generalized epilepsy with febrile seizures plus, type 7. Last evaluated: 2023-12-15. Review status: criteria provided, single submitter. Criteria: Invitae Variant Classification Sherloc (09022015). Collection method: clinical testing. Allele origin: germline.
Comment: This sequence change replaces arginine, which is basic and polar, with cysteine, which is neutral and slightly polar, at codon 1893 of the SCN9A protein (p.Arg1893Cys). This variant is present in population databases (rs372083483, gnomAD 0.008%). This variant has not been reported in the literature in individuals affected with SCN9A-related conditions. ClinVar contains an entry for this variant (Variation ID: 582686). Advanced modeling of protein sequence and biophysical properties (such as structural, functional, and spatial information, amino acid conservation, physicochemical variation, residue mobility, and thermodynamic stability) performed at Invitae indicates that this missense variant is not expected to disrupt SCN9A protein function with a negative predictive value of 95%. In summary, the available evidence is currently insufficient to determine the role of this variant in disease. Therefore, it has been classified as a Variant of Uncertain Significance.

NM_001365536.1(SCN9A):c.5710C>T (p.Arg1904Cys)

Genes: SCN9A (sodium voltage-gated channel alpha subunit 9; minus strand), SCN1A-AS1 (SCN1A and SCN9A antisense RNA 1; plus strand). Cytogenetic location: 2q24.3.
Variant type: single nucleotide variant.
Coding change: c.5710C>T on transcript NM_001365536.1 (MANE Select); coding-DNA position 5710, C replaced by T.
Protein change: p.Arg1904Cys; replaces arginine 1904 with cysteine.
Molecular consequence: missense variant.
Genome position (GRCh38, 1-based): chr2:166,198,929, G>A on the plus strand (C>T on the coding strand, the complement: SCN9A is on the minus strand). VCF-style: chr2-166198929-G-A. GRCh37 (hg19) VCF-style: chr2-167055439-G-A.
Other names: c.5677C>T, p.Arg1893Cys (NM_002977.4); short protein forms R1893C, R1904C.
Identifiers: ClinVar variation 582686 (VCV000582686.11), dbSNP rs372083483, ClinGen allele CA1943629.